The following is an entry in ClinVar:

ClinVar aggregate classification (germline): Uncertain significance (1 of 4 stars; one submission).

Allele frequency attached by ClinVar (database versions not stated): gnomAD exomes below 0.00001; ExAC 0.00001.

Submission:

Labcorp Genetics (formerly Invitae), Labcorp
Classification: Uncertain significance. Last evaluated: 2021-09-01. Review status: criteria provided, single submitter. Criteria: Invitae Variant Classification Sherloc (09022015). Collection method: clinical testing. Allele origin: germline.
Comment: In summary, the available evidence is currently insufficient to determine the role of this variant in disease. Therefore, it has been classified as a Variant of Uncertain Significance. Algorithms developed to predict the effect of missense changes on protein structure and function output the following: SIFT: "Tolerated"; PolyPhen-2: "Benign"; Align-GVGD: "Class C0". The leucine amino acid residue is found in multiple mammalian species, which suggests that this missense change does not adversely affect protein function. This variant has not been reported in the literature in individuals affected with RAI1-related conditions. This variant is present in population databases (rs774909993, ExAC 0.009%). This sequence change replaces proline with leucine at codon 1623 of the RAI1 protein (p.Pro1623Leu). The proline residue is highly conserved and there is a moderate physicochemical difference between proline and leucine.

NM_030665.4(RAI1):c.4868C>T (p.Pro1623Leu)

Gene: RAI1 (retinoic acid induced 1; plus strand). Cytogenetic location: 17p11.2.
Variant type: single nucleotide variant.
Coding change: c.4868C>T on transcript NM_030665.4 (MANE Select); coding-DNA position 4868, C replaced by T.
Protein change: p.Pro1623Leu; replaces proline 1623 with leucine.
Molecular consequence: missense variant.
Genome position (GRCh38, 1-based): chr17:17,797,816, C>T. VCF-style: chr17-17797816-C-T. GRCh37 (hg19) VCF-style: chr17-17701130-C-T.
Other names: short protein forms P1623L.
Identifiers: ClinVar variation 1441097 (VCV001441097.6), dbSNP rs774909993, ClinGen allele CA8419052.